The following is an entry in ClinVar:

NM_001135146.2(SLC39A8):c.98_99del (p.Val33fs)

Genes: SLC39A8 (solute carrier family 39 member 8; minus strand), LOC129992876 (ATAC-STARR-seq lymphoblastoid silent region 15595; plus strand). Cytogenetic location: 4q24.
Variant type: Microsatellite.
Coding change: c.98_99del on transcript NM_001135146.2 (MANE Select); coding-DNA positions 98 to 99, 2 bases deleted (TG; older notation c.98_99delTG).
Protein change: p.Val33fs; shifts the reading frame from valine 33.
Molecular consequence: frameshift variant.
Genome position (GRCh38, 1-based): chr4:102,344,564-102,344,565, CA deleted on the plus strand (TG on the coding strand, the reverse complement: SLC39A8 is on the minus strand); deleting any 2 consecutive bases within chr4:102,344,564-102,344,567 gives the same sequence; the c. name uses the placement nearest the transcript's 3' end. VCF-style (leftmost placement, unchanged base first): chr4-102344563-GCA-G. GRCh37 (hg19) VCF-style: chr4-103265720-GCA-G.
Other names: c.98_99del, p.Val33fs (NM_001135147.1, NM_022154.5); short protein forms V33fs.
Identifiers: ClinVar variation 2015308 (VCV002015308.4), dbSNP rs2476524656, ClinGen allele CA2580616158.
Genomic context (GRCh38, chr4:102,344,563, plus strand): 5'-GCTCCAGCAAGTGCTGGAGCTGCGCCGCCGACAGGCTCAGATTCGCGCCGAACACGCTCA[GCA>G]CATCCTCGCTGAAGGCTAGCCCTGGCCCCTCCGCCACTCCTCCGAGGCCGGCGGCCGCCA-3'

ClinVar aggregate classification (germline): Uncertain significance (1 of 4 stars; one submission).

Submission:

Labcorp Genetics (formerly Invitae), Labcorp
Classification: Uncertain significance. Last evaluated: 2022-07-09. Review status: criteria provided, single submitter. Criteria: Invitae Variant Classification Sherloc (09022015). Collection method: clinical testing. Allele origin: germline.
Comment: In summary, the available evidence is currently insufficient to determine the role of this variant in disease. Therefore, it has been classified as a Variant of Uncertain Significance. This variant has not been reported in the literature in individuals affected with SLC39A8-related conditions. This variant is not present in population databases (gnomAD no frequency). This sequence change creates a premature translational stop signal (p.Val33Alafs*45) in the SLC39A8 gene. It is expected to result in an absent or disrupted protein product. However, the current clinical and genetic evidence is not sufficient to establish whether loss-of-function variants in SLC39A8 cause disease.